The following is an entry in ClinVar:

NM_000722.4(CACNA2D1):c.77C>A (p.Pro26Gln)

Gene: CACNA2D1 (calcium voltage-gated channel auxiliary subunit alpha2delta 1; minus strand). Cytogenetic location: 7q21.11.
Variant type: single nucleotide variant.
Coding change: c.77C>A on transcript NM_000722.4 (MANE Select); coding-DNA position 77, C replaced by A.
Protein change: p.Pro26Gln; replaces proline 26 with glutamine.
Molecular consequence: missense variant.
Genome position (GRCh38, 1-based): chr7:82,443,383, G>T on the plus strand (C>A on the coding strand, the complement: CACNA2D1 is on the minus strand). VCF-style: chr7-82443383-G-T. GRCh37 (hg19) VCF-style: chr7-82072699-G-T.
Other names: c.77C>A, p.Pro26Gln (NM_001302890.2, NM_001366867.1); c.77C>A (NM_000722.2); short protein forms P26Q.
Identifiers: ClinVar variation 1345354 (VCV001345354.9), dbSNP rs1379575076, ClinGen allele CA368017564.

ClinVar aggregate classification (germline): Uncertain significance. Review status: criteria provided, multiple submitters, no conflicts (2 of 4 stars). 2 submissions from 2 submitters: Uncertain significance (2). Last evaluated 2025-11-20.

Conditions:
Cardiovascular phenotype. Identifiers: MedGen CN230736.
Brugada syndrome. Also called: Sudden Unexplained Death Syndrome; Sudden Unexplained Nocturnal Death Syndrome (SUNDS); Sudden unexpected nocturnal death syndrome; Sudden unexplained nocturnal death syndrome. Identifiers: Orphanet 130, MedGen C1142166, MONDO:0015263.

Allele frequency attached by ClinVar (database versions not stated): TOPMed below 0.00001.

Submissions (2):

Ambry Genetics
Classification: Uncertain significance for Cardiovascular phenotype. Last evaluated: 2025-11-20. Review status: criteria provided, single submitter. Criteria: Ambry Variant Classification Scheme 2023. Collection method: clinical testing. Allele origin: germline.

Labcorp Genetics (formerly Invitae), Labcorp
Classification: Uncertain significance for Brugada syndrome. Last evaluated: 2025-10-13. Review status: criteria provided, single submitter. Criteria: Invitae Variant Classification Sherloc (09022015). Collection method: clinical testing. Allele origin: germline.
Comment: This sequence change replaces proline, which is neutral and non-polar, with glutamine, which is neutral and polar, at codon 26 of the CACNA2D1 protein (p.Pro26Gln). The frequency data for this variant in the population databases is considered unreliable, as metrics indicate poor data quality at this position in the gnomAD database. This variant has not been reported in the literature in individuals affected with CACNA2D1-related conditions. ClinVar contains an entry for this variant (Variation ID: 1345354). An algorithm developed to predict the effect of missense changes on protein structure and function (PolyPhen-2) suggests that this variant is likely to be tolerated. In summary, the available evidence is currently insufficient to determine the role of this variant in disease. Therefore, it has been classified as a Variant of Uncertain Significance.